The following is an entry in ClinVar:

NM_001567.4(INPPL1):c.3521G>A (p.Arg1174Gln)

Gene: INPPL1 (inositol polyphosphate phosphatase like 1; plus strand). Cytogenetic location: 11q13.4.
Variant type: single nucleotide variant.
Coding change: c.3521G>A on transcript NM_001567.4 (MANE Select); coding-DNA position 3521, G replaced by A.
Protein change: p.Arg1174Gln; replaces arginine 1174 with glutamine.
Molecular consequence: missense variant.
Genome position (GRCh38, 1-based): chr11:72,237,765, G>A. VCF-style: chr11-72237765-G-A. GRCh37 (hg19) VCF-style: chr11-71948809-G-A.
Other names: short protein forms R1174Q.
Identifiers: ClinVar variation 1009516 (VCV001009516.7), dbSNP rs781136837, ClinGen allele CA6170663.

ClinVar aggregate classification (germline): Uncertain significance. Review status: criteria provided, multiple submitters, no conflicts (2 of 4 stars). 2 submissions from 2 submitters: Uncertain significance (2). Last evaluated 2022-03-24.

Allele frequency attached by ClinVar (database versions not stated): TOPMed 0.00005; ExAC 0.00009.

Submissions (2):

AiLife Diagnostics
Classification: Uncertain significance. Last evaluated: 2022-03-24. Review status: criteria provided, single submitter. Criteria: ACMG Guidelines, 2015. Collection method: clinical testing. Allele origin: germline. Affected: yes. Observed: 1 variant allele.

Labcorp Genetics (formerly Invitae), Labcorp
Classification: Uncertain significance. Last evaluated: 2022-02-05. Review status: criteria provided, single submitter. Criteria: Invitae Variant Classification Sherloc (09022015). Collection method: clinical testing. Allele origin: germline.
Comment: This sequence change replaces arginine, which is basic and polar, with glutamine, which is neutral and polar, at codon 1174 of the INPPL1 protein (p.Arg1174Gln). This variant is present in population databases (rs781136837, gnomAD 0.03%). This variant has not been reported in the literature in individuals affected with INPPL1-related conditions. ClinVar contains an entry for this variant (Variation ID: 1009516). Algorithms developed to predict the effect of missense changes on protein structure and function (SIFT, PolyPhen-2, Align-GVGD) all suggest that this variant is likely to be tolerated. Algorithms developed to predict the effect of sequence changes on RNA splicing suggest that this variant may create or strengthen a splice site. In summary, the available evidence is currently insufficient to determine the role of this variant in disease. Therefore, it has been classified as a Variant of Uncertain Significance.